The following is an entry in ClinVar:

NM_017780.4(CHD7):c.5301-1G>A

Gene: CHD7 (chromodomain helicase DNA binding protein 7; plus strand). Cytogenetic location: 8q12.2.
Variant type: single nucleotide variant.
Coding change: c.5301-1G>A on transcript NM_017780.4 (MANE Select); the canonical splice acceptor site of the intron before coding-DNA position 5301, G replaced by A.
Molecular consequence: splice acceptor variant. On other transcripts: intron variant (1).
Genome position (GRCh38, 1-based): chr8:60,849,050, G>A. VCF-style: chr8-60849050-G-A. GRCh37 (hg19) VCF-style: chr8-61761609-G-A.
Other names: c.5301-1G>A (NM_017780.3); c.1717-13179G>A (NM_001316690.1).
Identifiers: ClinVar variation 4900621 (VCV004900621.2).

ClinVar aggregate classification (germline): Likely pathogenic. Review status: criteria provided, multiple submitters, no conflicts (2 of 4 stars). 2 submissions from 2 submitters: Likely pathogenic (2). Last evaluated 2025-04-03.

Conditions:
CHD7-related disorder. Also called: CHD7-related condition.

Submissions (2):

PreventionGenetics, part of Exact Sciences
Classification: Likely pathogenic for CHD7-related condition. Last evaluated: 2025-04-03. Review status: criteria provided, single submitter. Criteria: ACMG Guidelines, 2015. Collection method: clinical testing. Allele origin: germline.
Comment: The CHD7 c.5301-1G>A variant is predicted to disrupt the AG splice acceptor site and interfere with normal splicing. To our knowledge, this variant has not been reported in the literature or in a large population database (gnomAD), indicating this variant is rare. Variants that disrupt the consensus splice acceptor site in CHD7 are expected to be pathogenic. This variant is interpreted as likely pathogenic.

Blueprint Genetics
Classification: Likely pathogenic for CHD7-related disorders. Last evaluated: 2020-11-16. Review status: criteria provided, single submitter. Criteria: ACMG Guidelines, 2015. Collection method: clinical testing. Allele origin: germline. Affected: yes. Observed: 1 variant allele.